The following is an entry in ClinVar:

NC_000012.11:g.(?_80714182)_(80714500_?)del

Gene: OTOGL (otogelin like; plus strand). Cytogenetic location: 12q21.31.
Variant type: Deletion.
Identifiers: ClinVar variation 2427503 (VCV002427503.3).

ClinVar aggregate classification (germline): Pathogenic (1 of 4 stars; one submission).

Submission:

Labcorp Genetics (formerly Invitae), Labcorp
Classification: Pathogenic. Last evaluated: 2023-03-19. Review status: criteria provided, single submitter. Criteria: Invitae Variant Classification Sherloc (09022015). Collection method: clinical testing. Allele origin: germline.
Comment: This variant is also known as Deletion (Exon 34) in NM_173591.5. For these reasons, this variant has been classified as Pathogenic. This variant has not been reported in the literature in individuals affected with OTOGL-related conditions. This variant is a gross deletion of the genomic region encompassing exon(s) 33 of the OTOGL gene. This deletion is out-of-frame, and is expected to create a premature termination codon and result in an absent or disrupted protein product. Loss-of-function variants in OTOGL are known to be pathogenic (PMID: 23122586).

Literature cited by the submitters: PubMed 23122586.